The following is an entry in ClinVar:

ClinVar aggregate classification (germline): Pathogenic/Likely pathogenic. Review status: criteria provided, multiple submitters, no conflicts (2 of 4 stars). 8 submissions from 8 submitters: Pathogenic (2); Likely pathogenic (4). 2 of the submissions do not count toward it. Last evaluated 2024-11-05.

Conditions:
Mitochondrial trifunctional protein deficiency 1 (MTPD1). Identifiers: MedGen CN376812, MONDO:0958181, OMIM 609015.
Long chain 3-hydroxyacyl-CoA dehydrogenase deficiency. Also called: LCHAD Deficiency; Deficiency of long-chain 3-hydroxyacyl-coenzyme A dehydrogenase. Identifiers: Orphanet 5, MedGen C3711645, MONDO:0012173, OMIM 609016.
Mitochondrial trifunctional protein deficiency. Identifiers: Orphanet 746, MedGen C1969443, MONDO:0012172.

Allele frequency attached by ClinVar (database versions not stated): gnomAD exomes below 0.00001.
gnomAD v4.1: 4 of 1,610,910 alleles (0.00025%); highest among the groups gnomAD compares: East Asian, 0.0022%; no homozygotes.

Submissions (8):

Labcorp Genetics (formerly Invitae), Labcorp
Classification: Pathogenic for Mitochondrial trifunctional protein deficiency; Long chain 3-hydroxyacyl-CoA dehydrogenase deficiency. Last evaluated: 2024-11-05. Review status: criteria provided, single submitter. Criteria: Invitae Variant Classification Sherloc (09022015). Collection method: clinical testing. Allele origin: germline.
Comment: This sequence change replaces arginine, which is basic and polar, with tryptophan, which is neutral and slightly polar, at codon 235 of the HADHA protein (p.Arg235Trp). This variant is not present in population databases (gnomAD no frequency). This missense change has been observed in individual(s) with mitochondrial trifunctional protein deficiency (PMID: 19433283, 21549624, 34878152). In at least one individual the data is consistent with being in trans (on the opposite chromosome) from a pathogenic variant. It has also been observed to segregate with disease in related individuals. ClinVar contains an entry for this variant (Variation ID: 188987). Invitae Evidence Modeling of protein sequence and biophysical properties (such as structural, functional, and spatial information, amino acid conservation, physicochemical variation, residue mobility, and thermodynamic stability) has been performed for this missense variant. However, the output from this modeling did not meet the statistical confidence thresholds required to predict the impact of this variant on HADHA protein function. For these reasons, this variant has been classified as Pathogenic.

Natera, Inc.
Classification: Likely pathogenic for Deficiency of long-chain 3-hydroxyacyl-coenzyme A dehydrogenase. Last evaluated: 2024-04-22. Review status: criteria provided, single submitter. Criteria: Natera Variant Classification Schema (03/2026). Collection method: clinical testing. Allele origin: germline.
Comment: The c.703C>T variant in HADHA is a missense variant predicted to cause substitution of arginine to tryptophan at amino acid 235. This variant is rare in the general population with a frequency below the threshold expected for the associated phenotype(s). This variant has been observed in one or more individuals affected with the associated recessive disease, as either homozygous or compound heterozygous with a second variant (PMID: 34878152, 34578803, 19433283). Additionally, this variant has been observed to segregate in affected family members (PMID: 34878152). Computational prediction algorithms indicate this variant is likely to affect gene or protein function. Given the available evidence, this variant is classified as Likely Pathogenic.

Fulgent Genetics
Classification: Likely pathogenic for Mitochondrial trifunctional protein deficiency 1; Long chain 3-hydroxyacyl-CoA dehydrogenase deficiency. Last evaluated: 2024-02-10. Review status: criteria provided, single submitter. Criteria: ACMG Guidelines, 2015. Collection method: clinical testing. Allele origin: germline.

Baylor Genetics
Classification: Pathogenic for Long chain 3-hydroxyacyl-CoA dehydrogenase deficiency. Last evaluated: 2023-10-14. Review status: criteria provided, single submitter. Criteria: ACMG Guidelines, 2015. Collection method: clinical testing. Allele origin: unknown.

CeGaT Center for Human Genetics Tuebingen
Classification: Likely pathogenic. Last evaluated: 2020-07-01. Review status: criteria provided, single submitter. Criteria: CeGaT Center For Human Genetics Tuebingen Variant Classification Criteria Version 2. Collection method: clinical testing. Allele origin: germline. Affected: yes. Observed: 1 variant allele.

GeneDx
Classification: Likely pathogenic. Last evaluated: 2018-11-08. Review status: criteria provided, single submitter. Criteria: GeneDx Variant Classification (06012015). Collection method: clinical testing. Allele origin: germline. Affected: yes.
Comment: The R235W variant in the HADHA gene has been reported previously in the homozygous state in three unrelated individuals with MTP deficiency (Scheuerman et al., 2009; Boutron et al., 2011). The R235W variant was not observed in approximately 6500 individuals of European and African American ancestry in the NHLBI Exome Sequencing Project, indicating it is not a common benign variant in these populations. The R235W variant is a non-conservative amino acid substitution, which is likely to impact secondary protein structure as these residues differ in polarity, charge, size and/or other properties. This substitution occurs at a position that is conserved across species, and in silico analysis predicts this variant is probably damaging to the protein structure/function. The R235W variant is a strong candidate for a pathogenic variant, however the possibility it may be a rare benign variant cannot be excluded.

OMIM
Classification: Pathogenic for MITOCHONDRIAL TRIFUNCTIONAL PROTEIN DEFICIENCY 1. Last evaluated: 2023-03-27. Review status: no assertion criteria provided. Collection method: literature only. Allele origin: germline. Not counted in ClinVar's aggregate classification.

Counsyl
Classification: Likely pathogenic for Long-chain 3-hydroxyacyl-CoA dehydrogenase deficiency. Last evaluated: 2014-09-26. Review status: no assertion criteria provided. Collection method: literature only. Allele origin: unknown. Inheritance: Autosomal recessive inheritance. Not counted in ClinVar's aggregate classification.

Literature cited by the submitters: PubMed 19433283 (cited by 3 submitters); PubMed 21549624 (cited by Labcorp Genetics (formerly Invitae), Labcorp and Counsyl); PubMed 34878152 (cited by 3 submitters); PubMed 34578803 (cited by Natera, Inc.); PubMed 22065858 (cited by Counsyl).

NM_000182.5(HADHA):c.703C>T (p.Arg235Trp)

Gene: HADHA (hydroxyacyl-CoA dehydrogenase trifunctional multienzyme complex subunit alpha; minus strand). Cytogenetic location: 2p23.3.
Variant type: single nucleotide variant.
Coding change: c.703C>T on transcript NM_000182.5 (MANE Select); coding-DNA position 703, C replaced by T.
Protein change: p.Arg235Trp; replaces arginine 235 with tryptophan.
Molecular consequence: missense variant.
Genome position (GRCh38, 1-based): chr2:26,215,149, G>A on the plus strand (C>T on the coding strand, the complement: HADHA is on the minus strand). VCF-style: chr2-26215149-G-A. GRCh37 (hg19) VCF-style: chr2-26438018-G-A.
Other names: short protein forms R235W.
Identifiers: ClinVar variation 188987 (VCV000188987.53), dbSNP rs786204607, ClinGen allele CA199108.